The following is an entry in ClinVar:

NM_006941.4(SOX10):c.530G>A (p.Arg177Gln)

Genes: POLR2F (RNA polymerase II, I and III subunit F; plus strand), SOX10 (SRY-box transcription factor 10; minus strand). Cytogenetic location: 22q13.1.
Variant type: single nucleotide variant.
Coding change: c.530G>A on transcript NM_006941.4 (MANE Select); coding-DNA position 530, G replaced by A.
Protein change: p.Arg177Gln; replaces arginine 177 with glutamine.
Molecular consequence: missense variant. On other transcripts: intron variant (3).
Genome position (GRCh38, 1-based): chr22:37,978,034, C>T on the plus strand (G>A on the coding strand, the complement: SOX10 is on the minus strand). VCF-style: chr22-37978034-C-T. GRCh37 (hg19) VCF-style: chr22-38374041-C-T.
Other names: c.*38+5724C>T (NM_001363825.1); c.294-8120C>T (NM_001301130.2); c.293+10864C>T (NM_001301131.2); short protein forms R177Q.
Identifiers: ClinVar variation 1399849 (VCV001399849.6), dbSNP rs1283642219, ClinGen allele CA411497781.

ClinVar aggregate classification (germline): Uncertain significance (1 of 4 stars; one submission).

Allele frequency attached by ClinVar (database versions not stated): gnomAD exomes below 0.00001.
gnomAD v4.1: 1 of 1,611,372 alleles (0.000062%); highest among the groups gnomAD compares: Non-Finnish European, 0.000085%; no homozygotes.

Submission:

Labcorp Genetics (formerly Invitae), Labcorp
Classification: Uncertain significance. Last evaluated: 2021-10-16. Review status: criteria provided, single submitter. Criteria: Invitae Variant Classification Sherloc (09022015). Collection method: clinical testing. Allele origin: germline.
Comment: This missense change has been observed in individuals with Kallmann syndrome (PMID: 29419413; Invitae). Algorithms developed to predict the effect of missense changes on protein structure and function are either unavailable or do not agree on the potential impact of this missense change (SIFT: "Deleterious"; PolyPhen-2: "Probably Damaging"; Align-GVGD: "Class C0"). In summary, the available evidence is currently insufficient to determine the role of this variant in disease. Therefore, it has been classified as a Variant of Uncertain Significance. This variant is not present in population databases (gnomAD no frequency). This sequence change replaces arginine, a(n) basic and polar amino acid, with glutamine, a(n) neutral and polar amino acid, at codon 177 of the SOX10 protein (p.Arg177Gln).

Literature cited by the submitters: PubMed 29419413.